The following is an entry in ClinVar:

ClinVar aggregate classification (germline): Pathogenic (1 of 4 stars; one submission).

Conditions:
CHARGE syndrome (CHARGE). Also called: Hittner Hirsch Kreh syndrome; CHARGE ASSOCIATION--COLOBOMA, HEART ANOMALY, CHOANAL ATRESIA, RETARDATION, GENITAL AND EAR ANOMALIES; Coloboma, heart anomaly, choanal atresia, retardation, genital and ear anomalies; CHARGE association; Hall-Hittner syndrome. Identifiers: Orphanet 138, MedGen C0265354, MONDO:0008965.

Submission:

Labcorp Genetics (formerly Invitae), Labcorp
Classification: Pathogenic for CHARGE syndrome. Last evaluated: 2023-12-09. Review status: criteria provided, single submitter. Criteria: Invitae Variant Classification Sherloc (09022015). Collection method: clinical testing. Allele origin: germline.
Comment: This sequence change creates a premature translational stop signal (p.Ser2434*) in the CHD7 gene. It is expected to result in an absent or disrupted protein product. Loss-of-function variants in CHD7 are known to be pathogenic (PMID: 22461308, 25077900). This variant is not present in population databases (gnomAD no frequency). This variant has not been reported in the literature in individuals affected with CHD7-related conditions. For these reasons, this variant has been classified as Pathogenic.

Literature cited by the submitters: PubMed 22461308; PubMed 25077900.

NM_017780.4(CHD7):c.7301C>G (p.Ser2434Ter)

Gene: CHD7 (chromodomain helicase DNA binding protein 7; plus strand). Cytogenetic location: 8q12.2.
Variant type: single nucleotide variant.
Coding change: c.7301C>G on transcript NM_017780.4 (MANE Select); coding-DNA position 7301, C replaced by G.
Protein change: p.Ser2434Ter; replaces serine 2434 with a stop codon.
Molecular consequence: nonsense. On other transcripts: intron variant (1).
Genome position (GRCh38, 1-based): chr8:60,856,581, C>G. VCF-style: chr8-60856581-C-G. GRCh37 (hg19) VCF-style: chr8-61769140-C-G.
Other names: c.1717-5648C>G (NM_001316690.1); short protein forms S2434*.
Identifiers: ClinVar variation 2701820 (VCV002701820.3), dbSNP rs2488074192, ClinGen allele CA371300682.